The following is an entry in ClinVar:

ClinVar aggregate classification (germline): Uncertain significance. Review status: criteria provided, single submitter (1 of 4 stars). 2 submissions from 2 submitters: Uncertain significance (1). 1 of the submissions does not count toward it. Last evaluated 2023-04-26.

Conditions:
MEFV-related disorder. Also called: MEFV-related condition; MEFV-related disorders.

Allele frequency attached by ClinVar (database versions not stated): ExAC 0.00001.
gnomAD v4.1: 7 of 1,614,150 alleles (0.00043%); highest among the groups gnomAD compares: South Asian, 0.0066%; no homozygotes.

Submissions (2):

ARUP Laboratories, Molecular Genetics and Genomics, ARUP Laboratories
Classification: Uncertain significance. Last evaluated: 2023-04-26. Review status: criteria provided, single submitter. Criteria: ARUP Molecular Germline Variant Investigation Process 2024. Collection method: clinical testing. Allele origin: germline.
Comment: The MEFV c.1531G>A; p.Ala511Thr variant (rs759836718), to our knowledge, is not reported in the medical literature or gene specific databases. This variant is only observed on three alleles in the Genome Aggregation Database, indicating it is not a common polymorphism. Computational analyses predict that this variant is neutral (REVEL: 0.057). Due to limited information, the clinical significance of the p.Ala511Thr variant is uncertain at this time.

PreventionGenetics, part of Exact Sciences
Classification: Uncertain significance for MEFV-related condition. Last evaluated: 2024-09-04. Review status: no assertion criteria provided. Collection method: clinical testing. Allele origin: germline. Not counted in ClinVar's aggregate classification.
Comment: The MEFV c.1531G>A variant is predicted to result in the amino acid substitution p.Ala511Thr. This variant has been reported in a study of individuals with severe developmental disorder (Supplementary Table 1, Kaplanis et al. 2020. PubMed ID: 33057194) and in a study of individuals with autism spectrum disorder (Supplementary Data 3, Zhou et al. 2022. PubMed ID: 35982159). This variant is reported in 0.0098% of alleles in individuals of South Asian descent in gnomAD. At this time, the clinical significance of this variant is uncertain due to the absence of conclusive functional and genetic evidence.

NM_000243.3(MEFV):c.1531G>A (p.Ala511Thr)

Gene: MEFV (MEFV innate immunity regulator, pyrin; minus strand). Cytogenetic location: 16p13.3.
Variant type: single nucleotide variant.
Coding change: c.1531G>A on transcript NM_000243.3 (MANE Select); coding-DNA position 1531, G replaced by A.
Protein change: p.Ala511Thr; replaces alanine 511 with threonine.
Molecular consequence: missense variant.
Genome position (GRCh38, 1-based): chr16:3,247,072, C>T on the plus strand (G>A on the coding strand, the complement: MEFV is on the minus strand). VCF-style: chr16-3247072-C-T. GRCh37 (hg19) VCF-style: chr16-3297072-C-T.
Other names: c.898G>A, p.Ala300Thr (NM_001198536.2); short protein forms A300T, A511T.
Identifiers: ClinVar variation 2920814 (VCV002920814.2), dbSNP rs759836718, ClinGen allele CA7860108.